The following is an entry in ClinVar:

NM_031418.4(ANO3):c.121G>A (p.Ala41Thr)

Gene: ANO3 (anoctamin 3; plus strand). Cytogenetic location: 11p14.2.
Variant type: single nucleotide variant.
Coding change: c.121G>A on transcript NM_031418.4 (MANE Select); coding-DNA position 121, G replaced by A.
Protein change: p.Ala41Thr; replaces alanine 41 with threonine.
Molecular consequence: missense variant.
Genome position (GRCh38, 1-based): chr11:26,441,992, G>A. VCF-style: chr11-26441992-G-A. GRCh37 (hg19) VCF-style: chr11-26463539-G-A.
Other names: c.304G>A, p.Ala102Thr (NM_001313726.2); c.121G>A (NM_031418.2); short protein forms A102T, A41T.
Identifiers: ClinVar variation 1498794 (VCV001498794.6), dbSNP rs150999282, ClinGen allele CA5925459.

ClinVar aggregate classification (germline): Uncertain significance. Review status: criteria provided, multiple submitters, no conflicts (2 of 4 stars). 2 submissions from 2 submitters: Uncertain significance (2). Last evaluated 2023-02-23.

Conditions:
Inborn genetic diseases. Identifiers: MedGen C0950123, MeSH D030342.
Dystonic disorder. Also called: Dystonia. Identifiers: MedGen C0013421, MONDO:0003441, HP:0001332.

Submissions (2):

Ambry Genetics
Classification: Uncertain significance for Inborn genetic diseases. Last evaluated: 2023-02-23. Review status: criteria provided, single submitter. Criteria: Ambry Variant Classification Scheme 2023. Collection method: clinical testing. Allele origin: germline.

Labcorp Genetics (formerly Invitae), Labcorp
Classification: Uncertain significance for Dystonic disorder. Last evaluated: 2021-09-02. Review status: criteria provided, single submitter. Criteria: Invitae Variant Classification Sherloc (09022015). Collection method: clinical testing. Allele origin: germline.
Comment: This sequence change replaces alanine with threonine at codon 41 of the ANO3 protein (p.Ala41Thr). The alanine residue is moderately conserved and there is a small physicochemical difference between alanine and threonine. This variant is present in population databases (rs150999282, ExAC 0.01%). This variant has not been reported in the literature in individuals affected with ANO3-related conditions. Algorithms developed to predict the effect of missense changes on protein structure and function output the following: SIFT: "Deleterious"; PolyPhen-2: "Benign"; Align-GVGD: "Class C0". The threonine amino acid residue is found in multiple mammalian species, which suggests that this missense change does not adversely affect protein function. In summary, the available evidence is currently insufficient to determine the role of this variant in disease. Therefore, it has been classified as a Variant of Uncertain Significance.